The following is an entry in ClinVar:

ClinVar aggregate classification (germline): Uncertain significance. Review status: criteria provided, multiple submitters, no conflicts (2 of 4 stars). 3 submissions from 3 submitters: Uncertain significance (3). Last evaluated 2025-10-03.

Conditions:
Bailey-Bloch congenital myopathy (CMYO13). Also called: Native American myopathy; Congenital myopathy 13; STAC3 disorder. Identifiers: Orphanet 168572, MedGen C1850625, MONDO:0009722, OMIM 255995.
Inborn genetic diseases. Identifiers: MedGen C0950123, MeSH D030342.

Allele frequency attached by ClinVar (database versions not stated): ExAC 0.00003; gnomAD 0.00003; gnomAD exomes 0.00003 and 0.00004; TOPMed 0.00003.
gnomAD v4.1: 55 of 1,613,968 alleles (0.0034%); highest among the groups gnomAD compares: Admixed American, 0.005%; no homozygotes.

Submissions (3):

Mayo Clinic Laboratories, Mayo Clinic
Classification: Uncertain significance. Last evaluated: 2025-10-03. Review status: criteria provided, single submitter. Criteria: ACMG Guidelines, 2015. Collection method: clinical testing. Allele origin: germline. Observed: 1 variant allele.
Comment: BP4

Ambry Genetics
Classification: Uncertain significance for Inborn genetic diseases. Last evaluated: 2025-05-20. Review status: criteria provided, single submitter. Criteria: Ambry Variant Classification Scheme 2023. Collection method: clinical testing. Allele origin: germline.

Labcorp Genetics (formerly Invitae), Labcorp
Classification: Uncertain significance for Bailey-Bloch congenital myopathy. Last evaluated: 2023-09-17. Review status: criteria provided, single submitter. Criteria: Invitae Variant Classification Sherloc (09022015). Collection method: clinical testing. Allele origin: germline.
Comment: In summary, the available evidence is currently insufficient to determine the role of this variant in disease. Therefore, it has been classified as a Variant of Uncertain Significance. Advanced modeling of protein sequence and biophysical properties (such as structural, functional, and spatial information, amino acid conservation, physicochemical variation, residue mobility, and thermodynamic stability) performed at Invitae indicates that this missense variant is expected to disrupt STAC3 protein function. ClinVar contains an entry for this variant (Variation ID: 568460). This variant has not been reported in the literature in individuals affected with STAC3-related conditions. This variant is present in population databases (rs762866281, gnomAD 0.009%). This sequence change replaces arginine, which is basic and polar, with leucine, which is neutral and non-polar, at codon 351 of the STAC3 protein (p.Arg351Leu).

NM_145064.3(STAC3):c.1052G>T (p.Arg351Leu)

Gene: STAC3 (SH3 and cysteine rich domain 3; minus strand). Cytogenetic location: 12q13.3.
Variant type: single nucleotide variant.
Coding change: c.1052G>T on transcript NM_145064.3 (MANE Select); coding-DNA position 1052, G replaced by T.
Protein change: p.Arg351Leu; replaces arginine 351 with leucine.
Molecular consequence: missense variant. On other transcripts: non-coding transcript variant (1).
Genome position (GRCh38, 1-based): chr12:57,243,855, C>A on the plus strand (G>T on the coding strand, the complement: STAC3 is on the minus strand). VCF-style: chr12-57243855-C-A. GRCh37 (hg19) VCF-style: chr12-57637638-C-A.
Other names: p.Arg351Leu; c.935G>T, p.Arg312Leu (NM_001286256.2); c.494G>T, p.Arg165Leu (NM_001286257.2); c.1052G>T (NM_145064.1); short protein forms R351L, R165L, R312L.
Identifiers: ClinVar variation 568460 (VCV000568460.14), dbSNP rs762866281, ClinGen allele CA6646912.